The following is an entry in ClinVar:

NC_000021.8:g.(?_37507491)_(39212984_?)dup

Genes: SIM2 (SIM bHLH transcription factor 2; plus strand), TTC3 (tetratricopeptide repeat domain 3; plus strand), RIPPLY3 (ripply transcriptional repressor 3; plus strand), CBR3 (carbonyl reductase 3; plus strand), CHAF1B (chromatin assembly factor 1 subunit B; plus strand) and 8 more. Cytogenetic location: 21q22.12-22.13.
Variant type: Duplication.
Identifiers: ClinVar variation 1412731 (VCV001412731.2).

ClinVar aggregate classification (germline): Uncertain significance (1 of 4 stars; one submission).

Submission:

Labcorp Genetics (formerly Invitae), Labcorp
Classification: Uncertain significance. Last evaluated: 2024-01-08. Review status: criteria provided, single submitter. Criteria: Invitae Variant Classification Sherloc (09022015). Collection method: clinical testing. Allele origin: germline.
Comment: A copy number gain of the genomic region encompassing the full coding sequence of the CLDN14 gene has been identified. The boundaries of this event are unknown as they extend beyond the assayed region for this gene and therefore may encompass additional genes. As the precise location of this event is unknown, it may be in tandem or it may be located elsewhere in the genome. This variant has not been reported in the literature in individuals affected with CLDN14-related conditions. Experimental studies and prediction algorithms are not available or were not evaluated, and the functional significance of this variant is currently unknown. In summary, the available evidence is currently insufficient to determine the role of this variant in disease. Therefore, it has been classified as a Variant of Uncertain Significance.